The following is an entry in ClinVar:

NR_001566.3(TERC):n.234_235delCCinsTT

Genes: TERC (telomerase RNA component; minus strand), LOC110806306 (telomerase RNA component (TERC) promoter; plus strand). Cytogenetic location: 3q26.2.
Variant type: Indel.
Genome position: GRCh38 VCF-style: chr3-169764826-GG-AA. GRCh37 (hg19) VCF-style: chr3-169482614-GG-AA.
Identifiers: ClinVar variation 2443277 (VCV002443277.2), dbSNP rs2474262236, ClinGen allele CA2580069063.

ClinVar aggregate classification (germline): Uncertain significance (0 of 4 stars; one submission).

Submission:

Genetic Services Laboratory, University of Chicago
Classification: Uncertain significance. Last evaluated: 2022-06-13. Review status: no assertion criteria provided. Collection method: clinical testing. Allele origin: germline. Affected: no.
Comment: DNA sequence analysis of the TERC gene demonstrated a deletion and insertion of two base pairs, n.234_235delinsTT. This change does not appear to have been previously described in individuals with TERC-related disorders and has also not been described in the population databases such as gnomAD. The functional significance of this sequence change is not known at present and its contribution to this individual's disease phenotype cannot definitively be determined.